The following is an entry in ClinVar:

ClinVar aggregate classification (germline): Conflicting classifications of pathogenicity. Review status: criteria provided, conflicting classifications (1 of 4 stars). 3 submissions from 3 submitters: Uncertain significance (1); Likely benign (2). Last evaluated 2025-06-16.

Conditions:
Jalili syndrome. Also called: CONE-ROD DYSTROPHY AND AMELOGENESIS IMPERFECTA. Identifiers: Orphanet 1873, MedGen C3495589, MONDO:0009007, OMIM 217080.
CNNM4-related disorder. Also called: CNNM4-related condition.

Allele frequency attached by ClinVar (database versions not stated): gnomAD exomes 0.00002 and 0.00004; ExAC 0.00003; TOPMed below 0.00001; gnomAD 0.00001.
gnomAD v4.1: 28 of 1,613,290 alleles (0.0017%); highest among the groups gnomAD compares: Admixed American, 0.018%; no homozygotes.

Submissions (3):

PreventionGenetics, part of Exact Sciences
Classification: Likely benign for CNNM4-related condition. Last evaluated: 2025-06-16. Review status: criteria provided, single submitter. Criteria: ACMG Guidelines, 2015. Collection method: clinical testing. Allele origin: germline.
Comment: This variant is classified as likely benign based on ACMG/AMP sequence variant interpretation guidelines (Richards et al. 2015 PMID: 25741868, with internal and published modifications).

Labcorp Genetics (formerly Invitae), Labcorp
Classification: Likely benign. Last evaluated: 2023-11-19. Review status: criteria provided, single submitter. Criteria: Invitae Variant Classification Sherloc (09022015). Collection method: clinical testing. Allele origin: germline.

Illumina Laboratory Services, Illumina
Classification: Uncertain significance for Jalili syndrome. Last evaluated: 2018-01-12. Review status: criteria provided, single submitter. Criteria: ICSL Variant Classification Criteria 13 December 2019. Collection method: clinical testing. Allele origin: germline.

NM_020184.4(CNNM4):c.1422C>T (p.Ile474=)

Gene: CNNM4 (cyclin and CBS domain divalent metal cation transport mediator 4; plus strand). Cytogenetic location: 2q11.2.
Variant type: single nucleotide variant.
Coding change: c.1422C>T on transcript NM_020184.4 (MANE Select); coding-DNA position 1422, C replaced by T.
Protein change: p.Ile474=; no amino-acid change (isoleucine 474 retained).
Molecular consequence: synonymous variant.
Genome position (GRCh38, 1-based): chr2:96,797,031, C>T. VCF-style: chr2-96797031-C-T. GRCh37 (hg19) VCF-style: chr2-97462768-C-T.
Identifiers: ClinVar variation 896487 (VCV000896487.12), dbSNP rs766518199, ClinGen allele CA1783359.